The following is an entry in ClinVar:

ClinVar aggregate classification (germline): Uncertain significance (1 of 4 stars; one submission).

Allele frequency attached by ClinVar (database versions not stated): gnomAD exomes below 0.00001; ExAC 0.00001; gnomAD 0.00001; TOPMed 0.00001.
gnomAD v4.1: 2 of 1,208,698 alleles (0.00017%); highest among the groups gnomAD compares: South Asian, 0.0018%; no homozygotes.

Submission:

Labcorp Genetics (formerly Invitae), Labcorp
Classification: Uncertain significance. Last evaluated: 2023-01-30. Review status: criteria provided, single submitter. Criteria: Invitae Variant Classification Sherloc (09022015). Collection method: clinical testing. Allele origin: germline.
Comment: In summary, the available evidence is currently insufficient to determine the role of this variant in disease. Therefore, it has been classified as a Variant of Uncertain Significance. Algorithms developed to predict the effect of missense changes on protein structure and function (SIFT, PolyPhen-2, Align-GVGD) all suggest that this variant is likely to be tolerated. This variant has not been reported in the literature in individuals affected with USP9X-related conditions. This variant is present in population databases (rs764088586, gnomAD 0.002%). This sequence change replaces proline, which is neutral and non-polar, with serine, which is neutral and polar, at codon 2564 of the USP9X protein (p.Pro2564Ser).

NM_001039591.3(USP9X):c.7642C>T (p.Pro2548Ser)

Gene: USP9X (ubiquitin specific peptidase 9 X-linked; plus strand). Cytogenetic location: Xp11.4.
Variant type: single nucleotide variant.
Coding change: c.7642C>T on transcript NM_001039591.3 (MANE Select); coding-DNA position 7642, C replaced by T.
Protein change: p.Pro2548Ser; replaces proline 2548 with serine.
Molecular consequence: missense variant.
Genome position (GRCh38, 1-based): chrX:41,232,501, C>T. VCF-style: chrX-41232501-C-T. GRCh37 (hg19) VCF-style: chrX-41091754-C-T.
Other names: c.7690C>T, p.Pro2564Ser (NM_001039590.3); c.7705C>T, p.Pro2569Ser (NM_001410748.1); c.7657C>T, p.Pro2553Ser (NM_001410749.1); short protein forms P2548S, P2569S, P2553S, P2564S.
Identifiers: ClinVar variation 1962328 (VCV001962328.5), dbSNP rs764088586, ClinGen allele CA10389261.